The following is an entry in ClinVar:

ClinVar aggregate classification (germline): Uncertain significance (1 of 4 stars; one submission).

Conditions:
Inborn genetic diseases. Identifiers: MedGen C0950123, MeSH D030342.

Submission:

Ambry Genetics
Classification: Uncertain significance for Inborn genetic diseases. Last evaluated: 2025-06-02. Review status: criteria provided, single submitter. Criteria: Ambry Variant Classification Scheme 2023. Collection method: clinical testing. Allele origin: germline.
Comment: The p.L220P variant (also known as c.659T>C), located in coding exon 6 of the USB1 gene, results from a T to C substitution at nucleotide position 659. The leucine at codon 220 is replaced by proline, an amino acid with similar properties. This amino acid position is conserved. In addition, this alteration is predicted to be tolerated by in silico analysis. Based on the available evidence, the clinical significance of this variant remains unclear.

NM_024598.4(USB1):c.659T>C (p.Leu220Pro)

Gene: USB1 (U6 snRNA biogenesis phosphodiesterase 1; plus strand). Cytogenetic location: 16q21.
Variant type: single nucleotide variant.
Coding change: c.659T>C on transcript NM_024598.4 (MANE Select); coding-DNA position 659, T replaced by C.
Protein change: p.Leu220Pro; replaces leucine 220 with proline.
Molecular consequence: missense variant.
Genome position (GRCh38, 1-based): chr16:58,019,021, T>C. VCF-style: chr16-58019021-T-C. GRCh37 (hg19) VCF-style: chr16-58052925-T-C.
Other names: c.605T>C, p.Leu202Pro (NM_001195302.2); c.506T>C, p.Leu169Pro (NM_001330568.2); short protein forms L169P, L220P, L202P.
Identifiers: ClinVar variation 3978181 (VCV003978181.1).
Genomic context (GRCh38, chr16:58,019,021, plus strand): 5'-TCCCTCCCCAGGATCCTTCTTTCCACCTCAGCCTGGCCTGGTGTGTGGGTGATGCACGTC[T>C]CCAGCTGGAGGGGCAGTGCCTGCAGGAACTACAGGTGAATTTCCAGGGCGGGAGCACAGA-3'
Protein context (NP_078874.2, residues 210-230): SLAWCVGDAR[Leu220Pro]QLEGQCLQEL